The following is an entry in ClinVar:

NM_001382391.1(CSPP1):c.1591A>G (p.Asn531Asp)

Gene: CSPP1 (centrosome and spindle pole associated protein 1; plus strand). Cytogenetic location: 8q13.2.
Variant type: single nucleotide variant.
Coding change: c.1591A>G on transcript NM_001382391.1 (MANE Select); coding-DNA position 1591, A replaced by G.
Protein change: p.Asn531Asp; replaces asparagine 531 with aspartic acid.
Molecular consequence: missense variant.
Genome position (GRCh38, 1-based): chr8:67,118,342, A>G. VCF-style: chr8-67118342-A-G. GRCh37 (hg19) VCF-style: chr8-68030577-A-G.
Other names: c.694A>G, p.Asn232Asp (NM_001291339.2); c.1510A>G, p.Asn504Asp (NM_001363131.2); c.1549A>G, p.Asn517Asp (NM_001363132.2); c.1468A>G, p.Asn490Asp (NM_001363133.2); c.1657A>G, p.Asn553Asp (NM_001364869.1); c.1477A>G, p.Asn493Asp (NM_001364870.1); c.1576A>G, p.Asn526Asp (NM_024790.7); short protein forms N493D, N526D, N531D, N232D, N490D, N504D, N517D, N553D.
Identifiers: ClinVar variation 1435427 (VCV001435427.5), dbSNP rs768395830, ClinGen allele CA4770578.

ClinVar aggregate classification (germline): Uncertain significance (1 of 4 stars; one submission).

Conditions:
Joubert syndrome 21 (JBTS21). Identifiers: MedGen C3810212, MONDO:0014288, OMIM 615636.

Allele frequency attached by ClinVar (database versions not stated): ExAC 0.00001; gnomAD 0.00001 and 0.00002; gnomAD exomes 0.00001 and 0.00002; TOPMed 0.00003.

Submission:

Labcorp Genetics (formerly Invitae), Labcorp
Classification: Uncertain significance for Joubert syndrome 21. Last evaluated: 2021-08-31. Review status: criteria provided, single submitter. Criteria: Invitae Variant Classification Sherloc (09022015). Collection method: clinical testing. Allele origin: germline.
Comment: This sequence change replaces asparagine with aspartic acid at codon 526 of the CSPP1 protein (p.Asn526Asp). The asparagine residue is highly conserved and there is a small physicochemical difference between asparagine and aspartic acid. This variant is present in population databases (rs768395830, ExAC 0.001%). This variant has not been reported in the literature in individuals affected with CSPP1-related conditions. Algorithms developed to predict the effect of missense changes on protein structure and function are either unavailable or do not agree on the potential impact of this missense change (SIFT: "Tolerated"; PolyPhen-2: "Probably Damaging"; Align-GVGD: "Class C0"). In summary, the available evidence is currently insufficient to determine the role of this variant in disease. Therefore, it has been classified as a Variant of Uncertain Significance.